The following is an entry in ClinVar:

ClinVar aggregate classification (germline): Uncertain significance (1 of 4 stars; one submission).

Conditions:
Combined oxidative phosphorylation defect type 14. Also called: Combined oxidative phosphorylation deficiency 14. Identifiers: Orphanet 319519, MedGen C4755312, MONDO:0013986, OMIM 614946.

Submission:

Labcorp Genetics (formerly Invitae), Labcorp
Classification: Uncertain significance for Combined oxidative phosphorylation defect type 14. Last evaluated: 2020-02-10. Review status: criteria provided, single submitter. Criteria: Invitae Variant Classification Sherloc (09022015). Collection method: clinical testing. Allele origin: germline.
Comment: In summary, the available evidence is currently insufficient to determine the role of this variant in disease. Therefore, it has been classified as a Variant of Uncertain Significance. Algorithms developed to predict the effect of missense changes on protein structure and function (SIFT, PolyPhen-2, Align-GVGD) all suggest that this variant is likely to be tolerated, but these predictions have not been confirmed by published functional studies and their clinical significance is uncertain. This variant has not been reported in the literature in individuals with FARS2-related conditions. This variant is not present in population databases (ExAC no frequency). This sequence change replaces threonine with alanine at codon 122 of the FARS2 protein (p.Thr122Ala). The threonine residue is moderately conserved and there is a small physicochemical difference between threonine and alanine.

NM_006567.5(FARS2):c.364A>G (p.Thr122Ala)

Genes: FARS2 (phenylalanyl-tRNA synthetase 2, mitochondrial; plus strand), LOC126859565 (CDK7 strongly-dependent group 2 enhancer GRCh37_chr6:5368745-5369944; plus strand). Cytogenetic location: 6p25.1.
Variant type: single nucleotide variant.
Coding change: c.364A>G on transcript NM_006567.5 (MANE Select); coding-DNA position 364, A replaced by G.
Protein change: p.Thr122Ala; replaces threonine 122 with alanine.
Molecular consequence: missense variant. On other transcripts: intron variant (2).
Genome position (GRCh38, 1-based): chr6:5,368,934, A>G. VCF-style: chr6-5368934-A-G. GRCh37 (hg19) VCF-style: chr6-5369167-A-G.
Other names: c.364A>G, p.Thr122Ala (NM_001318872.2, NM_001374875.1, NM_001374876.1 and 5 more transcripts); c.-340-27699A>G (NM_001375260.1); c.-84-35608A>G (NM_001375259.1); short protein forms T122A.
Identifiers: ClinVar variation 1039255 (VCV001039255.10), dbSNP rs1758855175, ClinGen allele CA362735122.